The following is an entry in ClinVar:

NM_006306.4(SMC1A):c.3619-7C>G

Gene: SMC1A (structural maintenance of chromosomes 1A; minus strand). Cytogenetic location: Xp11.22.
Variant type: single nucleotide variant.
Coding change: c.3619-7C>G on transcript NM_006306.4 (MANE Select); 7 bases into the intron before coding-DNA position 3619, C replaced by G.
Molecular consequence: intron variant.
Genome position (GRCh38, 1-based): chrX:53,380,193, G>C on the plus strand (C>G on the coding strand, the complement: SMC1A is on the minus strand). VCF-style: chrX-53380193-G-C. GRCh37 (hg19) VCF-style: chrX-53407114-G-C.
Other names: c.3553-7C>G (NM_001281463.1).
Identifiers: ClinVar variation 3049218 (VCV003049218.2), dbSNP rs781911393, ClinGen allele CA10420240.

ClinVar aggregate classification (germline): Likely benign (0 of 4 stars; one submission).

Conditions:
SMC1A-related disorder. Also called: SMC1A-related condition.

Allele frequency attached by ClinVar (database versions not stated): gnomAD 0.00003; gnomAD exomes 0.00003; TOPMed 0.00003; ExAC 0.00004.
gnomAD v4.1: 33 of 1,170,890 alleles (0.0028%); highest among the groups gnomAD compares: Non-Finnish European, 0.0036%; no homozygotes.

Submission:

PreventionGenetics, part of Exact Sciences
Classification: Likely benign for SMC1A-related condition. Last evaluated: 2019-12-09. Review status: no assertion criteria provided. Collection method: clinical testing. Allele origin: germline.
Comment: This variant is classified as likely benign based on ACMG/AMP sequence variant interpretation guidelines (Richards et al. 2015 PMID: 25741868, with internal and published modifications).